The following is an entry in ClinVar:

NM_002485.5(NBN):c.779A>G (p.His260Arg)

Gene: NBN (nibrin; minus strand). Cytogenetic location: 8q21.3.
Variant type: single nucleotide variant.
Coding change: c.779A>G on transcript NM_002485.5 (MANE Select); coding-DNA position 779, A replaced by G.
Protein change: p.His260Arg; replaces histidine 260 with arginine.
Molecular consequence: missense variant.
Genome position (GRCh38, 1-based): chr8:89,970,481, T>C on the plus strand (A>G on the coding strand, the complement: NBN is on the minus strand). VCF-style: chr8-89970481-T-C. GRCh37 (hg19) VCF-style: chr8-90982709-T-C.
Other names: c.533A>G, p.His178Arg (NM_001024688.3); short protein forms H178R, H260R.
Identifiers: ClinVar variation 3222438 (VCV003222438.2), dbSNP rs1328090653, ClinGen allele CA371658678.

ClinVar aggregate classification (germline): Uncertain significance. Review status: criteria provided, multiple submitters, no conflicts (2 of 4 stars). 2 submissions from 2 submitters: Uncertain significance (2). Last evaluated 2023-11-30.

Conditions:
Hereditary cancer-predisposing syndrome. Also called: Tumor predisposition; Hereditary neoplastic syndrome; Hereditary Cancer Syndrome; Neoplastic Syndromes, Hereditary. Identifiers: Orphanet 140162, MedGen C0027672, MeSH D009386, MONDO:0015356.
Aplastic anemia. Identifiers: Orphanet 182040, Orphanet 88, MedGen C0002874, MONDO:0015909, OMIM 609135, HP:0001915.

Allele frequency attached by ClinVar (database versions not stated): gnomAD exomes below 0.00001.
gnomAD v4.1: 1 of 1,613,918 alleles (0.000062%); highest among the groups gnomAD compares: Non-Finnish European, 0.000085%; no homozygotes.

Submissions (2):

Baylor Genetics
Classification: Uncertain significance for Aplastic anemia. Last evaluated: 2023-11-30. Review status: criteria provided, single submitter. Criteria: ACMG Guidelines, 2015. Collection method: clinical testing. Allele origin: unknown.

Ambry Genetics
Classification: Uncertain significance for Hereditary cancer-predisposing syndrome. Last evaluated: 2023-11-29. Review status: criteria provided, single submitter. Criteria: Ambry Variant Classification Scheme 2023. Collection method: clinical testing. Allele origin: germline.
Comment: The p.H260R variant (also known as c.779A>G), located in coding exon 7 of the NBN gene, results from an A to G substitution at nucleotide position 779. The histidine at codon 260 is replaced by arginine, an amino acid with highly similar properties. This amino acid position is conserved. In addition, this alteration is predicted to be tolerated by in silico analysis. Since supporting evidence is limited at this time, the clinical significance of this alteration remains unclear.